The following is an entry in ClinVar:

ClinVar aggregate classification (germline): Pathogenic (1 of 4 stars; one submission).

Conditions:
Tyrosinase-positive oculocutaneous albinism (OCA2). Also called: Albinism, oculocutaneous, type II; ALBINISM II; Oculocutaneous albinism type 2. Identifiers: Orphanet 79432, MedGen C0268495, MONDO:0008746, OMIM 203200.

Submission:

Genetic Disease Research Branch / Genetics Development and Disease Section, National Human Genome Research  Institute
Classification: Pathogenic for Tyrosinase-positive oculocutaneous albinism. Last evaluated: 2021-02-01. Review status: criteria provided, single submitter. Criteria: ACMG Guidelines, 2015. Collection method: research. Allele origin: germline. Inheritance: Autosomal recessive inheritance. Affected: yes. Observed: 19 variant alleles.
Comment: This represents a loss of function allele in OCA2 in a well described reccessive disease. ACMG: PVS1. PM4, PM3

Single allele

Gene: OCA2 (OCA2 melanosomal transmembrane protein; minus strand). Cytogenetic location: 15q13.1.
Variant type: Deletion.
Identifiers: ClinVar variation 1098719 (VCV001098719.1).